The following is an entry in ClinVar:

NM_014249.4(NR2E3):c.406G>T (p.Glu136Ter)

Gene: NR2E3 (nuclear receptor subfamily 2 group E member 3; plus strand). Cytogenetic location: 15q23.
Variant type: single nucleotide variant.
Coding change: c.406G>T on transcript NM_014249.4 (MANE Select); coding-DNA position 406, G replaced by T.
Protein change: p.Glu136Ter; replaces glutamic acid 136 with a stop codon.
Molecular consequence: nonsense.
Genome position (GRCh38, 1-based): chr15:71,812,011, G>T. VCF-style: chr15-71812011-G-T. GRCh37 (hg19) VCF-style: chr15-72104351-G-T.
Other names: c.406G>T, p.Glu136Ter (NM_016346.4); short protein forms E136*.
Identifiers: ClinVar variation 813198 (VCV000813198.47), dbSNP rs1257334132, ClinGen allele CA393034103.

ClinVar aggregate classification (germline): Pathogenic/Likely pathogenic. Review status: criteria provided, multiple submitters, no conflicts (2 of 4 stars). 6 submissions from 6 submitters: Pathogenic (5); Likely pathogenic (1). Last evaluated 2025-10-13.

Conditions:
NR2E3-related disorder. Also called: NR2E3-related condition; NR2E3-related disorders. Identifiers: MedGen CN239387.
Enhanced S-cone syndrome (ESCS). Identifiers: Orphanet 53540, MedGen C1849394, MONDO:0100288, MONDO:0009989.
Retinitis pigmentosa (RP). Identifiers: Orphanet 791, MedGen C0035334, MeSH D012174, MONDO:0019200, OMIM 268000. Inheritance: Autosomal dominant, autosomal recessive and X linked inheritance.

gnomAD v4.1: 1 of 1,555,222 alleles (0.000064%); highest among the groups gnomAD compares: Non-Finnish European, 0.000087%; no homozygotes.

Submissions (6):

Natera, Inc.
Classification: Pathogenic for Enhanced S cone syndrome. Last evaluated: 2025-10-13. Review status: criteria provided, single submitter. Criteria: Natera Variant Classification Schema (03/2026). Collection method: clinical testing. Allele origin: germline.
Comment: The c.406G>T variant in NR2E3 is a nonsense variant predicted to introduce a stop codon at amino acid 136. This variant is expected to result in nonsense mediated decay, truncation, or a dysfunctional protein product. This variant is rare in the general population with a frequency below the threshold expected for the associated phenotype(s). This variant has been observed in one or more individuals affected with the associated recessive disease, as either homozygous or compound heterozygous with a second variant (PMID: 37734845). Given the available evidence, this variant is classified as Pathogenic.

Myriad Genetics, Inc.
Classification: Pathogenic for ENHANCED S-CONE SYNDROME 1. Last evaluated: 2025-04-28. Review status: criteria provided, single submitter. Criteria: Myriad Autosomal Dominant, Autosomal Recessive and X-Linked Classification Criteria (2023). Collection method: clinical testing. Allele origin: unknown.
Comment: NM_014249.2(NR2E3):c.406G>T(E136*) is a nonsense variant classified as pathogenic in the context of enhanced S-cone syndrome. E136* has been observed in cases with relevant disease (PMID: 32531858, 37734845). Relevant functional assessments of this variant are not available in the literature. E136* has not been observed in referenced population frequency databases. In summary, NM_014249.2(NR2E3):c.406G>T(E136*) is a nonsense variant in a gene where loss of function is a known mechanism of disease, is predicted to disrupt protein function, and has been observed more frequently in cases with the relevant disease than in healthy populations. Please note: this variant was assessed in the context of healthy population screening.

Blueprint Genetics
Classification: Likely pathogenic for NR2E3-related disorders. Last evaluated: 2024-10-14. Review status: criteria provided, single submitter. Criteria: ACMG Guidelines, 2015. Collection method: clinical testing. Allele origin: germline. Affected: yes. Observed: 5 variant alleles.

Institute of Medical Genetics and Applied Genomics, University Hospital Tübingen
Classification: Pathogenic. Last evaluated: 2020-10-23. Review status: criteria provided, single submitter. Criteria: ACMG Guidelines, 2015. Collection method: clinical testing. Allele origin: germline. Inheritance: Autosomal unknown. Affected: yes.

Molecular Genetics Laboratory, Institute for Ophthalmic Research
Classification: Pathogenic for Retinitis pigmentosa. Last evaluated: 2020-01-09. Review status: criteria provided, single submitter. Criteria: ACMG Guidelines, 2015. Collection method: research. Allele origin: germline. Affected: yes.

CeGaT Center for Human Genetics Tuebingen
Classification: Pathogenic. Last evaluated: 2018-05-01. Review status: criteria provided, single submitter. Criteria: CeGaT Center For Human Genetics Tuebingen Variant Classification Criteria Version 2. Collection method: clinical testing. Allele origin: germline. Affected: yes. Observed: 3 variant alleles.

Literature cited by the submitters: PubMed 37734845 (cited by Natera, Inc. and Myriad Genetics, Inc.); PubMed 32531858 (cited by Myriad Genetics, Inc.).